The following is an entry in ClinVar:

ClinVar aggregate classification (germline): Uncertain significance (1 of 4 stars; one submission).

Submission:

Labcorp Genetics (formerly Invitae), Labcorp
Classification: Uncertain significance. Last evaluated: 2025-03-20. Review status: criteria provided, single submitter. Criteria: Invitae Variant Classification Sherloc (09022015). Collection method: clinical testing. Allele origin: germline.
Comment: This sequence change replaces glutamic acid, which is acidic and polar, with lysine, which is basic and polar, at codon 1265 of the ERCC6L2 protein (p.Glu1265Lys). This variant is not present in population databases (gnomAD no frequency). This variant has not been reported in the literature in individuals affected with ERCC6L2-related conditions. Experimental studies and prediction algorithms are not available or were not evaluated, and the functional significance of this variant is currently unknown. In summary, the available evidence is currently insufficient to determine the role of this variant in disease. Therefore, it has been classified as a Variant of Uncertain Significance.

NM_020207.7(ERCC6L2):c.3760G>A (p.Glu1254Lys)

Gene: ERCC6L2 (ERCC excision repair 6 like 2; plus strand). Cytogenetic location: 9q22.32.
Variant type: single nucleotide variant.
Coding change: c.3760G>A on transcript NM_020207.7 (MANE Select); coding-DNA position 3760, G replaced by A.
Protein change: p.Glu1254Lys; replaces glutamic acid 1254 with lysine.
Molecular consequence: missense variant. On other transcripts: non-coding transcript variant (1), intron variant (2).
Genome position (GRCh38, 1-based): chr9:96,012,310, G>A. VCF-style: chr9-96012310-G-A. GRCh37 (hg19) VCF-style: chr9-98774592-G-A.
Other names: c.3674+7609G>A (NM_001375291.1, NM_001375292.1); short protein forms E1254K.
Identifiers: ClinVar variation 4715610 (VCV004715610.1).